The following is an entry in ClinVar:

NM_006031.6(PCNT):c.5881G>A (p.Val1961Met)

Gene: PCNT (pericentrin; plus strand). Cytogenetic location: 21q22.3.
Variant type: single nucleotide variant.
Coding change: c.5881G>A on transcript NM_006031.6 (MANE Select); coding-DNA position 5881, G replaced by A.
Protein change: p.Val1961Met; replaces valine 1961 with methionine.
Molecular consequence: missense variant.
Genome position (GRCh38, 1-based): chr21:46,411,954, G>A. VCF-style: chr21-46411954-G-A. GRCh37 (hg19) VCF-style: chr21-47831868-G-A.
Other names: c.5527G>A, p.Val1843Met (NM_001315529.2); short protein forms V1843M, V1961M.
Identifiers: ClinVar variation 4873914 (VCV004873914.2).

ClinVar aggregate classification (germline): Uncertain significance (1 of 4 stars; one submission).

gnomAD v4.1: 25 of 1,598,220 alleles (0.0016%); highest among the groups gnomAD compares: South Asian, 0.028%; no homozygotes.

Submission:

CeGaT Center for Human Genetics Tuebingen
Classification: Uncertain significance. Last evaluated: 2026-05-01. Review status: criteria provided, single submitter. Criteria: CeGaT Center For Human Genetics Tuebingen Variant Classification Criteria Version 2. Collection method: clinical testing. Allele origin: germline. Affected: yes. Observed: 1 variant allele.
Comment: PCNT: PM2, BP4